The following is an entry in ClinVar:

ClinVar aggregate classification (germline): Uncertain significance (1 of 4 stars; one submission).

gnomAD v4.1: 1 of 1,614,100 alleles (0.000062%); highest among the groups gnomAD compares: Non-Finnish European, 0.000085%; no homozygotes.

Submission:

Women's Health and Genetics/Laboratory Corporation of America, LabCorp
Classification: Uncertain significance. Last evaluated: 2026-05-15. Review status: criteria provided, single submitter. Criteria: LabCorp Variant Classification Summary - May 2015. Collection method: clinical testing. Allele origin: germline.
Comment: Variant summary: ALMS1 c.10302A>T (p.Lys3434Asn) results in a non-conservative amino acid change in the encoded protein sequence. Algorithms developed to predict the effect of missense changes on protein structure and function are either unavailable or do not agree on the potential impact of this missense change. The variant was absent in 249412 control chromosomes. The available data on variant occurrences in the general population are insufficient to allow any conclusion about variant significance. To our knowledge, no occurrence of c.10302A>T in individuals affected with ALMS1-related conditions and no experimental evidence demonstrating its impact on protein function have been reported. No submitters have cited clinical-significance assessments for this variant to ClinVar. Based on the evidence outlined above, the variant was classified as uncertain significance.

NM_001378454.1(ALMS1):c.10305A>T (p.Lys3435Asn)

Gene: ALMS1 (ALMS1 centrosome and basal body associated protein; plus strand). Cytogenetic location: 2p13.1.
Variant type: single nucleotide variant.
Coding change: c.10305A>T on transcript NM_001378454.1 (MANE Select); coding-DNA position 10305, A replaced by T.
Protein change: p.Lys3435Asn; replaces lysine 3435 with asparagine.
Molecular consequence: missense variant.
Genome position (GRCh38, 1-based): chr2:73,559,063, A>T. VCF-style: chr2-73559063-A-T. GRCh37 (hg19) VCF-style: chr2-73786190-A-T.
Other names: c.10308A>T, p.Lys3436Asn (NM_015120.4); short protein forms K3435N, K3436N.
Identifiers: ClinVar variation 4853035 (VCV004853035.1).